The following is an entry in ClinVar:

NM_015425.6(POLR1A):c.2824G>A (p.Glu942Lys)

Genes: POLR1A (RNA polymerase I subunit A; minus strand), LOC126806263 (BRD4-independent group 4 enhancer GRCh37_chr2:86272354-86273553; plus strand). Cytogenetic location: 2p11.2.
Variant type: single nucleotide variant.
Coding change: c.2824G>A on transcript NM_015425.6 (MANE Select); coding-DNA position 2824, G replaced by A.
Protein change: p.Glu942Lys; replaces glutamic acid 942 with lysine.
Molecular consequence: missense variant.
Genome position (GRCh38, 1-based): chr2:86,045,679, C>T on the plus strand (G>A on the coding strand, the complement: POLR1A is on the minus strand). VCF-style: chr2-86045679-C-T. GRCh37 (hg19) VCF-style: chr2-86272802-C-T.
Other names: short protein forms E942K.
Identifiers: ClinVar variation 4281724 (VCV004281724.1).
Genomic context (GRCh38, chr2:86,045,679, plus strand): 5'-GAGGTTTGATGCCGGTGAGGAACCTGCCAGTGACAAAGCCACCAGCCCTGGGGGTGAACT[C>T]ATAAGGCTCAAAGCAGGGCAGTGACTTGCCAGACGCCATCAGCGGGGGTCTCCGACCTTC-3'
Protein context (NP_056240.2, residues 932-952): GKSLPCFEPY[Glu942Lys]FTPRAGGFVT

ClinVar aggregate classification (germline): Uncertain significance (1 of 4 stars; one submission).

Submission:

GeneDx
Classification: Uncertain significance. Last evaluated: 2025-04-14. Review status: criteria provided, single submitter. Criteria: GeneDx Variant Classification Process June 2021. Collection method: clinical testing. Allele origin: germline. Affected: yes.
Comment: Not observed at significant frequency in large population cohorts (gnomAD); In silico analysis supports that this missense variant has a deleterious effect on protein structure/function; Has not been previously published as pathogenic or benign to our knowledge